The following is an entry in ClinVar:

NM_001110556.2(FLNA):c.1120G>A (p.Val374Met)

Gene: FLNA (filamin A; minus strand). Cytogenetic location: Xq28.
Variant type: single nucleotide variant.
Coding change: c.1120G>A on transcript NM_001110556.2 (MANE Select); coding-DNA position 1120, G replaced by A.
Protein change: p.Val374Met; replaces valine 374 with methionine.
Molecular consequence: missense variant.
Genome position (GRCh38, 1-based): chrX:154,366,416, C>T on the plus strand (G>A on the coding strand, the complement: FLNA is on the minus strand). VCF-style: chrX-154366416-C-T. GRCh37 (hg19) VCF-style: chrX-153594784-C-T.
Other names: c.1120G>A, p.Val374Met (NM_001456.4); short protein forms V374M.
Identifiers: ClinVar variation 464972 (VCV000464972.20), dbSNP rs201681328, ClinGen allele CA10561253.

ClinVar aggregate classification (germline): Conflicting classifications of pathogenicity. Review status: criteria provided, conflicting classifications (1 of 4 stars). 4 submissions from 4 submitters: Uncertain significance (1); Likely benign (3). Last evaluated 2026-01-11.

Conditions:
Familial thoracic aortic aneurysm and aortic dissection (TAAD). Also called: Thoracic aortic aneurysms and dissections. Identifiers: Orphanet 91387, MedGen C4707243, MONDO:0019625.
Heterotopia, periventricular, X-linked dominant (PVNH1). Also called: PERIVENTRICULAR NODULAR HETEROTOPIA 1; X-linked periventricular heterotopia; PERIVENTRICULAR NODULAR HETEROTOPIA 4; HETEROTOPIA, PERIVENTRICULAR, 1. Identifiers: Orphanet 2149, Orphanet 82004, MedGen C1848213, MONDO:0010233, OMIM 300049.
Oto-palato-digital syndrome, type II (OPD2). Also called: FACIOPALATOOSSEOUS SYNDROME; OPD II SYNDROME; Otopalatodigital Syndrome Type 2 (FLNA-OPD2); Otopalatodigital Syndrome, Type II. Identifiers: Orphanet 669, Orphanet 90652, MedGen C1844696, MONDO:0010571, OMIM 304120.
Frontometaphyseal dysplasia (FMD1). Identifiers: Orphanet 1826, MedGen C0265293, MONDO:0015942.
Melnick-Needles syndrome (MNS). Also called: MELNICK-NEEDLES OSTEODYSPLASTY; OSTEODYSPLASTY OF MELNICK AND NEEDLES; Melnick-Needles Syndrome (FLNA-MNS). Identifiers: Orphanet 2484, MedGen C0025237, MONDO:0010650, OMIM 309350.

Allele frequency attached by ClinVar (database versions not stated): gnomAD exomes 0.00004 and 0.00007; TOPMed 0.00005; gnomAD 0.00006; ExAC 0.00007; 1000 Genomes Project 0.00026; 1000 Genomes Project 30x 0.00083.
gnomAD v4.1: 53 of 1,210,554 alleles (0.0044%); highest among the groups gnomAD compares: Admixed American, 0.011%; no homozygotes.

Submissions (4):

Labcorp Genetics (formerly Invitae), Labcorp
Classification: Likely benign for Oto-palato-digital syndrome, type II; Heterotopia, periventricular, X-linked dominant; Frontometaphyseal dysplasia; Melnick-Needles syndrome. Last evaluated: 2026-01-11. Review status: criteria provided, single submitter. Criteria: Invitae Variant Classification Sherloc (09022015). Collection method: clinical testing. Allele origin: germline.

Women's Health and Genetics/Laboratory Corporation of America, LabCorp
Classification: Likely benign. Last evaluated: 2025-03-14. Review status: criteria provided, single submitter. Criteria: LabCorp Variant Classification Summary - May 2015. Collection method: clinical testing. Allele origin: germline.
Comment: Variant summary: FLNA c.1120G>A (p.Val374Met) results in a conservative amino acid change in the encoded protein sequence. Four of five in-silico tools predict a damaging effect of the variant on protein function. The variant allele was found at a frequency of 7.2e-05 in 181317 control chromosomes. The observed variant frequency is approximately 229.43 fold of the estimated maximal expected allele frequency for a pathogenic variant in FLNA causing Periventricular Nodular Heterotopia phenotype (3.1e-07). To our knowledge, no occurrence of c.1120G>A in individuals affected with Periventricular Nodular Heterotopia and no experimental evidence demonstrating its impact on protein function have been reported. ClinVar contains an entry for this variant (Variation ID: 464972). Based on the evidence outlined above, the variant was classified as likely benign.

Ambry Genetics
Classification: Likely benign for Familial thoracic aortic aneurysm and aortic dissection. Last evaluated: 2024-10-29. Review status: criteria provided, single submitter. Criteria: Ambry Variant Classification Scheme 2023. Collection method: clinical testing. Allele origin: germline.

GeneDx
Classification: Uncertain significance. Last evaluated: 2024-04-01. Review status: criteria provided, single submitter. Criteria: GeneDx Variant Classification Process June 2021. Collection method: clinical testing. Allele origin: germline. Affected: yes.
Comment: Observed in hemizygous state in one patient with periventricular heterotopia in published literature (PMID: 28454995); In silico analysis supports that this missense variant has a deleterious effect on protein structure/function; This variant is associated with the following publications: (PMID: 34426522, 28454995)

Literature cited by the submitters: PubMed 28454995 (cited by Ambry Genetics).